The following is an entry in ClinVar:

NM_004304.5(ALK):c.2461G>A (p.Gly821Arg)

Gene: ALK (ALK receptor tyrosine kinase; minus strand). Cytogenetic location: 2p23.2.
Variant type: single nucleotide variant.
Coding change: c.2461G>A on transcript NM_004304.5 (MANE Select); coding-DNA position 2461, G replaced by A.
Protein change: p.Gly821Arg; replaces glycine 821 with arginine.
Molecular consequence: missense variant.
Genome position (GRCh38, 1-based): chr2:29,233,591, C>T on the plus strand (G>A on the coding strand, the complement: ALK is on the minus strand). VCF-style: chr2-29233591-C-T. GRCh37 (hg19) VCF-style: chr2-29456457-C-T.
Other names: short protein forms G821R.
Identifiers: ClinVar variation 857467 (VCV000857467.10), dbSNP rs201590062, ClinGen allele CA44639137.
Genomic context (GRCh38, chr2:29,233,591, plus strand): 5'-GAACCTGGTGGAAATCTGGCAGCACACACCATACCTTAAATACGTAGGTGGCTCCACCCC[C>T]TCCTCCTCCGCCTCCTGCCCACTCATGCACGCTTCTGTTCACACGGATTTCTTCTTCTAT-3'
Protein context (NP_004295.2, residues 811-831): VHEWAGGGGG[Gly821Arg]GGATYVFKMK

ClinVar aggregate classification (germline): Uncertain significance. Review status: criteria provided, multiple submitters, no conflicts (2 of 4 stars). 2 submissions from 2 submitters: Uncertain significance (2). Last evaluated 2024-12-20.

Conditions:
Hereditary cancer-predisposing syndrome. Also called: Hereditary neoplastic syndrome; Tumor predisposition; Neoplastic Syndromes, Hereditary; Hereditary Cancer Syndrome. Identifiers: Orphanet 140162, MedGen C0027672, MeSH D009386, MONDO:0015356.
Neuroblastoma, susceptibility to, 3. Also called: ALK-Related Neuroblastic Tumor Susceptibility. Identifiers: Orphanet 635, MedGen C2751681, MONDO:0013083, OMIM 613014.

Submissions (2):

Ambry Genetics
Classification: Uncertain significance for Hereditary cancer-predisposing syndrome. Last evaluated: 2024-12-20. Review status: criteria provided, single submitter. Criteria: Ambry Variant Classification Scheme 2023. Collection method: clinical testing. Allele origin: germline.
Comment: The p.G821R variant (also known as c.2461G>A), located in coding exon 14 of the ALK gene, results from a G to A substitution at nucleotide position 2461. The glycine at codon 821 is replaced by arginine, an amino acid with dissimilar properties. This amino acid position is conserved. In addition, the in silico prediction for this alteration is inconclusive. Based on the available evidence, the clinical significance of this variant remains unclear.

Labcorp Genetics (formerly Invitae), Labcorp
Classification: Uncertain significance for Neuroblastoma, susceptibility to, 3. Last evaluated: 2019-02-14. Review status: criteria provided, single submitter. Criteria: Invitae Variant Classification Sherloc (09022015). Collection method: clinical testing. Allele origin: germline.
Comment: This variant is not present in population databases (ExAC no frequency). This sequence change replaces glycine with arginine at codon 821 of the ALK protein (p.Gly821Arg). The glycine residue is highly conserved and there is a moderate physicochemical difference between glycine and arginine. This variant has not been reported in the literature in individuals with ALK-related conditions. Algorithms developed to predict the effect of missense changes on protein structure and function (SIFT, PolyPhen-2, Align-GVGD) all suggest that this variant is likely to be disruptive, but these predictions have not been confirmed by published functional studies and their clinical significance is uncertain. In summary, the available evidence is currently insufficient to determine the role of this variant in disease. Therefore, it has been classified as a Variant of Uncertain Significance.